The following is an entry in ClinVar:

ClinVar aggregate classification (germline): Uncertain significance. Review status: criteria provided, multiple submitters, no conflicts (2 of 4 stars). 3 submissions from 3 submitters: Uncertain significance (3). Last evaluated 2025-05-22.

Conditions:
Inborn genetic diseases. Identifiers: MedGen C0950123, MeSH D030342.
RP1L1-related disorder. Also called: RP1L1-related condition.

Allele frequency attached by ClinVar (database versions not stated): ExAC 0.00001; ESP Exome Variant Server 0.00008.
gnomAD v4.1: 104 of 1,613,666 alleles (0.0064%); highest among the groups gnomAD compares: Non-Finnish European, 0.0084%; no homozygotes.

Submissions (3):

PreventionGenetics, part of Exact Sciences
Classification: Uncertain significance for RP1L1-related condition. Last evaluated: 2025-05-22. Review status: criteria provided, single submitter. Criteria: ACMG Guidelines, 2015. Collection method: clinical testing. Allele origin: germline.
Comment: The RP1L1 c.3641G>T variant is predicted to result in the amino acid substitution p.Ser1214Ile. To our knowledge, this variant has not been reported in the literature. This variant is reported in 0.0065% of alleles in individuals of African descent in gnomAD. A different variant at the same amino acid position, c.3642C>A, p.(Ser1214Arg), has been reported along with another RP1L1 variant in an individual with Stargardt disease (Hitti-Malin et al. 2022. PubMed ID: 36259723). At this time, the clinical significance of this c.3641G>T, p.(Ser1214Ile) variant is uncertain due to the absence of conclusive functional and genetic evidence.

Blueprint Genetics
Classification: Uncertain significance. Last evaluated: 2024-10-18. Review status: criteria provided, single submitter. Criteria: ACMG Guidelines, 2015. Collection method: clinical testing. Allele origin: germline.

Ambry Genetics
Classification: Uncertain significance for Inborn genetic diseases. Last evaluated: 2023-02-23. Review status: criteria provided, single submitter. Criteria: Ambry Variant Classification Scheme 2023. Collection method: clinical testing. Allele origin: germline.

NM_178857.6(RP1L1):c.3641G>T (p.Ser1214Ile)

Gene: RP1L1 (RP1 like 1). Cytogenetic location: 8p23.1.
Variant type: single nucleotide variant.
Coding change: c.3641G>T on transcript NM_178857.6 (MANE Select); coding-DNA position 3641, G replaced by T.
Protein change: p.Ser1214Ile; replaces serine 1214 with isoleucine.
Molecular consequence: missense variant.
Genome position (GRCh38, 1-based): chr8:10,610,457, C>A on the plus strand (G>T on the coding strand, the complement: RP1L1 is on the minus strand). VCF-style: chr8-10610457-C-A. GRCh37 (hg19) VCF-style: chr8-10467967-C-A.
Other names: short protein forms S1214I.
Identifiers: ClinVar variation 2469402 (VCV002469402.4), dbSNP rs370423428, ClinGen allele CA4624415.